The following is an entry in ClinVar:

ClinVar aggregate classification (germline): Benign (1 of 4 stars; one submission).

Conditions:
Spondyloepiphyseal dysplasia tarda (SEDT). Also called: SPONDYLOEPIPHYSEAL DYSPLASIA, LATE. Identifiers: Orphanet 93284, MedGen CN033239, MONDO:0019667.

Allele frequency attached by ClinVar (database versions not stated): 1000 Genomes Project 0.00079; gnomAD 0.00203; 1000 Genomes Project 30x 0.00208.

Submission:

Illumina Laboratory Services, Illumina
Classification: Benign for Spondyloepiphyseal dysplasia tarda, X-linked. Last evaluated: 2018-01-13. Review status: criteria provided, single submitter. Criteria: ICSL Variant Classification Criteria 13 December 2019. Collection method: clinical testing. Allele origin: germline.
Comment: This variant was observed in the ICSL laboratory as part of a predisposition screen in an ostensibly healthy population. It had not been previously curated by ICSL or reported in the Human Gene Mutation Database (HGMD: prior to June 1st, 2018), and was therefore a candidate for classification through an automated scoring system. Utilizing variant allele frequency, disease prevalence and penetrance estimates, and inheritance mode, an automated score was calculated to assess if this variant is too frequent to cause the disease. Based on the score and internal cut-off values, a variant classified as benign is not then subjected to further curation. The score for this variant resulted in a classification of benign for this disease.

NM_001011658.4(TRAPPC2):c.*641G>A

Gene: TRAPPC2 (trafficking protein particle complex subunit 2; minus strand). Cytogenetic location: Xp22.2.
Variant type: single nucleotide variant.
Coding change: c.*641G>A on transcript NM_001011658.4 (MANE Select); 641 bases downstream of the stop codon, G replaced by A.
Molecular consequence: 3 prime UTR variant.
Genome position (GRCh38, 1-based): chrX:13,713,766, C>T on the plus strand (G>A on the coding strand, the complement: TRAPPC2 is on the minus strand). VCF-style: chrX-13713766-C-T. GRCh37 (hg19) VCF-style: chrX-13731885-C-T.
Other names: c.*641G>A (NM_001128835.3, NM_014563.6).
Identifiers: ClinVar variation 367985 (VCV000367985.5), dbSNP rs752947538, ClinGen allele CA10651722.